The following is an entry in ClinVar:

ClinVar aggregate classification (germline): Uncertain significance (1 of 4 stars; one submission).

gnomAD v4.1: 2 of 1,613,642 alleles (0.00012%); highest among the groups gnomAD compares: Non-Finnish European, 0.00017%; no homozygotes.

Submission:

Mayo Clinic Laboratories, Mayo Clinic
Classification: Uncertain significance. Last evaluated: 2025-01-12. Review status: criteria provided, single submitter. Criteria: ACMG Guidelines, 2015. Collection method: clinical testing. Allele origin: germline. Observed: 1 variant allele.
Comment: PM2_supporting

NM_018699.4(PRDM5):c.247C>A (p.Arg83Ser)

Gene: PRDM5 (PR/SET domain 5; minus strand). Cytogenetic location: 4q27.
Variant type: single nucleotide variant.
Coding change: c.247C>A on transcript NM_018699.4 (MANE Select); coding-DNA position 247, C replaced by A.
Protein change: p.Arg83Ser; replaces arginine 83 with serine.
Molecular consequence: missense variant.
Genome position (GRCh38, 1-based): chr4:120,853,471, G>T on the plus strand (C>A on the coding strand, the complement: PRDM5 is on the minus strand). VCF-style: chr4-120853471-G-T. GRCh37 (hg19) VCF-style: chr4-121774626-G-T.
Other names: p.Arg83Ser; c.247C>A, p.Arg83Ser (NM_001300823.2, NM_001300824.2, NM_001379104.1 and 1 more transcripts); short protein forms R83S.
Identifiers: ClinVar variation 4540996 (VCV004540996.1).